The following is an entry in ClinVar:

NM_000263.4(NAGLU):c.2164G>A (p.Asp722Asn)

Gene: NAGLU (N-acetyl-alpha-glucosaminidase; plus strand). Cytogenetic location: 17q21.2.
Variant type: single nucleotide variant.
Coding change: c.2164G>A on transcript NM_000263.4 (MANE Select); coding-DNA position 2164, G replaced by A.
Protein change: p.Asp722Asn; replaces aspartic acid 722 with asparagine.
Molecular consequence: missense variant.
Genome position (GRCh38, 1-based): chr17:42,544,170, G>A. VCF-style: chr17-42544170-G-A. GRCh37 (hg19) VCF-style: chr17-40696188-G-A.
Other names: short protein forms D722N.
Identifiers: ClinVar variation 1503455 (VCV001503455.4), dbSNP rs367726645, ClinGen allele CA8577153.

ClinVar aggregate classification (germline): Uncertain significance (1 of 4 stars; one submission).

Conditions:
Mucopolysaccharidosis, MPS-III-B (MPS3B). Also called: N-ACETYL-ALPHA-D-GLUCOSAMINIDASE DEFICIENCY; NAGLU DEFICIENCY; SANFILIPPO SYNDROME B; MPS III B; MPS IIIB (Sanfilippo Syndrome Type B); MUCOPOLYSACCHARIDOSIS, TYPE IIIB. Identifiers: Orphanet 79270, MedGen C0086648, MONDO:0009656, OMIM 252920.
Charcot-Marie-Tooth disease axonal type 2V. Also called: CHARCOT-MARIE-TOOTH NEUROPATHY, TYPE 2V; CHARCOT-MARIE-TOOTH DISEASE, AXONAL, AUTOSOMAL DOMINANT, TYPE 2V. Identifiers: Orphanet 447964, MedGen C5569050, MONDO:0014665, OMIM 616491.

Allele frequency attached by ClinVar (database versions not stated): gnomAD exomes 0.00024 and 0.00014; 1000 Genomes Project 0.00060; gnomAD 0.00001 and 0.00010; ExAC 0.00020; 1000 Genomes Project 30x 0.00078; TOPMed 0.00003.
gnomAD v4.1: 227 of 1,613,560 alleles (0.014%); highest among the groups gnomAD compares: South Asian, 0.23%; 1 homozygote.

Submission:

Labcorp Genetics (formerly Invitae), Labcorp
Classification: Uncertain significance for Charcot-Marie-Tooth disease axonal type 2V; Mucopolysaccharidosis, MPS-III-B. Last evaluated: 2024-10-25. Review status: criteria provided, single submitter. Criteria: Invitae Variant Classification Sherloc (09022015). Collection method: clinical testing. Allele origin: germline.
Comment: This sequence change replaces aspartic acid, which is acidic and polar, with asparagine, which is neutral and polar, at codon 722 of the NAGLU protein (p.Asp722Asn). This variant is present in population databases (rs367726645, gnomAD 0.2%). This variant has not been reported in the literature in individuals affected with NAGLU-related conditions. ClinVar contains an entry for this variant (Variation ID: 1503455). Invitae Evidence Modeling of protein sequence and biophysical properties (such as structural, functional, and spatial information, amino acid conservation, physicochemical variation, residue mobility, and thermodynamic stability) has been performed for this missense variant. However, the output from this modeling did not meet the statistical confidence thresholds required to predict the impact of this variant on NAGLU protein function. In summary, the available evidence is currently insufficient to determine the role of this variant in disease. Therefore, it has been classified as a Variant of Uncertain Significance.